The following is an entry in ClinVar:

NM_152564.5(VPS13B):c.1296A>G (p.Thr432=)

Gene: VPS13B (vacuolar protein sorting 13 homolog B; plus strand). Cytogenetic location: 8q22.2.
Variant type: single nucleotide variant.
Coding change: c.1296A>G on transcript NM_152564.5 (MANE Select); coding-DNA position 1296, A replaced by G.
Protein change: p.Thr432=; no amino-acid change (threonine 432 retained).
Molecular consequence: synonymous variant.
Genome position (GRCh38, 1-based): chr8:99,134,721, A>G. VCF-style: chr8-99134721-A-G. GRCh37 (hg19) VCF-style: chr8-100146949-A-G.
Other names: c.1296A>G (NM_152564.4); c.1296A>G, p.Thr432= (NM_015243.3, NM_017890.5).
Identifiers: ClinVar variation 199144 (VCV000199144.44), dbSNP rs765163542, ClinGen allele CA248182.

ClinVar aggregate classification (germline): Conflicting classifications of pathogenicity. Review status: criteria provided, conflicting classifications (1 of 4 stars). 4 submissions from 4 submitters: Uncertain significance (1); Likely benign (2). 1 of the submissions does not count toward it. Last evaluated 2026-07-01.

Conditions:
VPS13B-related disorder. Also called: VPS13B-related condition.
Cohen syndrome (COH1). Also called: PEPPER SYNDROME; Cutis verticis gyrata, retinitis pigmentosa, and sensorineural deafness. Identifiers: Orphanet 193, MedGen C0265223, MONDO:0008999, OMIM 216550.

Allele frequency attached by ClinVar (database versions not stated): ExAC 0.00002; gnomAD 0.00003 and 0.00004; gnomAD exomes 0.00003 and 0.00006; TOPMed 0.00004.
gnomAD v4.1: 98 of 1,605,118 alleles (0.0061%); highest among the groups gnomAD compares: Non-Finnish European, 0.0076%; no homozygotes.

Submissions (4):

CeGaT Center for Human Genetics Tuebingen
Classification: Likely benign. Last evaluated: 2026-07-01. Review status: criteria provided, single submitter. Criteria: CeGaT Center For Human Genetics Tuebingen Variant Classification Criteria Version 2. Collection method: clinical testing. Allele origin: germline. Affected: yes. Observed: 2 variant alleles.
Comment: VPS13B: BP4, BP7

Labcorp Genetics (formerly Invitae), Labcorp
Classification: Likely benign for Cohen syndrome. Last evaluated: 2025-11-04. Review status: criteria provided, single submitter. Criteria: Invitae Variant Classification Sherloc (09022015). Collection method: clinical testing. Allele origin: germline.

Eurofins Ntd Llc (ga)
Classification: Uncertain significance. Last evaluated: 2015-05-08. Review status: criteria provided, single submitter. Criteria: EGL Classification Definitions 2015. Collection method: clinical testing. Allele origin: germline. Observed: 1 variant allele, 1 heterozygote.

PreventionGenetics, part of Exact Sciences
Classification: Likely benign for VPS13B-related condition. Last evaluated: 2021-12-09. Review status: no assertion criteria provided. Collection method: clinical testing. Allele origin: germline. Not counted in ClinVar's aggregate classification.
Comment: This variant is classified as likely benign based on ACMG/AMP sequence variant interpretation guidelines (Richards et al. 2015 PMID: 25741868, with internal and published modifications).